The following is an entry in ClinVar:

NM_004560.4(ROR2):c.2428C>A (p.Pro810Thr)

Gene: ROR2 (receptor tyrosine kinase like orphan receptor 2; minus strand). Cytogenetic location: 9q22.31.
Variant type: single nucleotide variant.
Coding change: c.2428C>A on transcript NM_004560.4 (MANE Select); coding-DNA position 2428, C replaced by A.
Protein change: p.Pro810Thr; replaces proline 810 with threonine.
Molecular consequence: missense variant.
Genome position (GRCh38, 1-based): chr9:91,724,066, G>T on the plus strand (C>A on the coding strand, the complement: ROR2 is on the minus strand). VCF-style: chr9-91724066-G-T. GRCh37 (hg19) VCF-style: chr9-94486348-G-T.
Other names: c.2428C>A (NM_004560.3); short protein forms P810T.
Identifiers: ClinVar variation 1897778 (VCV001897778.6), dbSNP rs1331048394, ClinGen allele CA373794318.
Genomic context (GRCh38, chr9:91,724,066, plus strand): 5'-AGGCCGGCACCGGCTGGTAGCCGTTGACGGGGACGTAGAGCTGCGGCGGGGGCACCATGG[G>T]TCTGATCTGGCCCTTCATGGGGATGAACTGGGGCTGTGGGAAGGGCGGGGCCTTCTGCTT-3'
Protein context (NP_004551.2, residues 800-820): QFIPMKGQIR[Pro810Thr]MVPPPQLYVP

ClinVar aggregate classification (germline): Uncertain significance. Review status: criteria provided, multiple submitters, no conflicts (2 of 4 stars). 2 submissions from 2 submitters: Uncertain significance (2). Last evaluated 2023-12-14.

Conditions:
Inborn genetic diseases. Identifiers: MedGen C0950123, MeSH D030342.

Allele frequency attached by ClinVar (database versions not stated): gnomAD exomes 0.00002.
gnomAD v4.1: 29 of 1,610,860 alleles (0.0018%); highest among the groups gnomAD compares: Non-Finnish European, 0.0024%; no homozygotes.

Submissions (2):

Ambry Genetics
Classification: Uncertain significance for Inborn genetic diseases. Last evaluated: 2023-12-14. Review status: criteria provided, single submitter. Criteria: Ambry Variant Classification Scheme 2023. Collection method: clinical testing. Allele origin: germline.

Labcorp Genetics (formerly Invitae), Labcorp
Classification: Uncertain significance. Last evaluated: 2022-11-22. Review status: criteria provided, single submitter. Criteria: Invitae Variant Classification Sherloc (09022015). Collection method: clinical testing. Allele origin: germline.
Comment: In summary, the available evidence is currently insufficient to determine the role of this variant in disease. Therefore, it has been classified as a Variant of Uncertain Significance. Advanced modeling of protein sequence and biophysical properties (such as structural, functional, and spatial information, amino acid conservation, physicochemical variation, residue mobility, and thermodynamic stability) performed at Invitae indicates that this missense variant is not expected to disrupt ROR2 protein function. This variant has not been reported in the literature in individuals affected with ROR2-related conditions. This variant is not present in population databases (gnomAD no frequency). This sequence change replaces proline, which is neutral and non-polar, with threonine, which is neutral and polar, at codon 810 of the ROR2 protein (p.Pro810Thr).